The following is an entry in ClinVar:

NM_000719.7(CACNA1C):c.6313C>A (p.Gln2105Lys)

Genes: CACNA1C (calcium voltage-gated channel subunit alpha1 C; plus strand), CACNA1C-AS1 (CACNA1C antisense RNA 1; minus strand). Cytogenetic location: 12p13.33.
Variant type: single nucleotide variant.
Coding change: c.6313C>A on transcript NM_000719.7 (MANE Select); coding-DNA position 6313, C replaced by A.
Protein change: p.Gln2105Lys; replaces glutamine 2105 with lysine.
Molecular consequence: missense variant. On other transcripts: non-coding transcript variant (1).
Genome position (GRCh38, 1-based): chr12:2,691,095, C>A. VCF-style: chr12-2691095-C-A. GRCh37 (hg19) VCF-style: chr12-2800261-C-A.
Other names: c.6364C>A, p.Gln2122Lys (NM_001129836.2); c.6337C>A, p.Gln2113Lys (NM_001129837.2, NM_001129838.2); c.6331C>A, p.Gln2111Lys (NM_001129839.2); c.6313C>A, p.Gln2105Lys (NM_001129840.2, NM_001129841.2, NM_001129842.2 and 2 more transcripts); c.6457C>A, p.Gln2153Lys (NM_001129827.2); c.6436C>A, p.Gln2146Lys (NM_001129829.2); c.6418C>A, p.Gln2140Lys (NM_001129830.3, NM_001167624.3); c.6397C>A, p.Gln2133Lys (NM_001129831.2); and 6 more; short protein forms Q2111K, Q2113K, Q2125K, Q2140K, Q2122K, Q2133K, Q2165K, Q2188K.
Identifiers: ClinVar variation 4768852 (VCV004768852.1).

ClinVar aggregate classification (germline): Uncertain significance (1 of 4 stars; one submission).

Conditions:
Long QT syndrome (LQTS). Identifiers: MedGen C0023976, MeSH D008133, MONDO:0002442. Disease mechanism: loss of function. Inheritance: Various modes of inheritance.

Submission:

Labcorp Genetics (formerly Invitae), Labcorp
Classification: Uncertain significance for Long QT syndrome. Last evaluated: 2025-11-28. Review status: criteria provided, single submitter. Criteria: Invitae Variant Classification Sherloc (09022015). Collection method: clinical testing. Allele origin: germline.
Comment: This sequence change replaces glutamine, which is neutral and polar, with lysine, which is basic and polar, at codon 2105 of the CACNA1C protein (p.Gln2105Lys). This variant is not present in population databases (gnomAD no frequency). This variant has not been reported in the literature in individuals affected with CACNA1C-related conditions. Invitae Evidence Modeling of protein sequence and biophysical properties (such as structural, functional, and spatial information, amino acid conservation, physicochemical variation, residue mobility, and thermodynamic stability) indicates that this missense variant is not expected to disrupt CACNA1C protein function with a negative predictive value of 95%. In summary, the available evidence is currently insufficient to determine the role of this variant in disease. Therefore, it has been classified as a Variant of Uncertain Significance.